The following is an entry in ClinVar:

ClinVar aggregate classification (germline): Pathogenic (1 of 4 stars; one submission).

Conditions:
Mucolipidosis type IV (ML4). Also called: ML IV. Identifiers: Orphanet 578, MedGen C0238286, MONDO:0009653, OMIM 252650.

Submission:

Myriad Genetics, Inc.
Classification: Pathogenic for Mucolipidosis type IV. Last evaluated: 2023-09-21. Review status: criteria provided, single submitter. Criteria: Myriad Autosomal Dominant, Autosomal Recessive and X-Linked Classification Criteria (2023). Collection method: clinical testing. Allele origin: unknown.
Comment: NM_020533.2(MCOLN1):c.982_983delAA(N328Rfs*134) is expected to be pathogenic in the context of mucolipidosis IV. This variant is predicted to lead to an abnormal or absent protein product due to the creation of a premature termination codon in MCOLN1, a gene where loss-of-function variants are known to be pathogenic. Please note: this variant was assessed in the context of healthy population screening.

NM_020533.3(MCOLN1):c.982_983del (p.Asn328fs)

Gene: MCOLN1 (mucolipin TRP cation channel 1; plus strand). Cytogenetic location: 19p13.2.
Variant type: Deletion.
Coding change: c.982_983del on transcript NM_020533.3 (MANE Select); coding-DNA positions 982 to 983, 2 bases deleted (AA; older notation c.982_983delAA).
Protein change: p.Asn328fs; shifts the reading frame from asparagine 328.
Molecular consequence: frameshift variant.
Genome position (GRCh38, 1-based): chr19:7,528,701-7,528,702, AA deleted. VCF-style (leftmost placement, unchanged base first): chr19-7528700-GAA-G. GRCh37 (hg19) VCF-style: chr19-7593586-GAA-G.
Other names: short protein forms N328fs.
Identifiers: ClinVar variation 5011712 (VCV005011712.1).
Genomic context (GRCh38, chr19:7,528,700, plus strand): 5'-CACCTGCTCCCTGTCCTTCCTCCTCTGCGCCCGCTCACTCCTTCGAGGCTTCCTGCTGCA[GAA>G]CGTGAGGCTTCTGCGTCATGTGTGCTGGTGTCCTCCCCGCCTGGCCCTGGGGCGATAAAA-3'